The following is an entry in ClinVar:

ClinVar aggregate classification (germline): Conflicting classifications of pathogenicity. Review status: criteria provided, conflicting classifications (1 of 4 stars). 8 submissions from 8 submitters: Uncertain significance (3); Benign (1); Likely benign (2). 2 of the submissions do not count toward it. Last evaluated 2026-01-12.

Conditions:
DMD-related disorder. Also called: DMD-related condition.
Becker muscular dystrophy (BMD). Also called: MUSCULAR DYSTROPHY, PSEUDOHYPERTROPHIC PROGRESSIVE, BECKER TYPE; Becker Muscular Dystrophy (BMD). Identifiers: Orphanet 98895, MedGen C0917713, MONDO:0010311, OMIM 300376.
Cardiomyopathy (CMYO). Also called: Cardiomyopathies. Identifiers: Orphanet 167848, MedGen C0878544, MONDO:0004994, HP:0001638. Inheritance: Various modes of inheritance.
Duchenne muscular dystrophy (DMD). Also called: MUSCULAR DYSTROPHY, PSEUDOHYPERTROPHIC PROGRESSIVE, DUCHENNE TYPE; Duchenne Muscular Dystrophy (DMD). Identifiers: Orphanet 98896, MedGen C0013264, MONDO:0010679, OMIM 310200.
Dystrophin deficiency.
Cardiovascular phenotype. Identifiers: MedGen CN230736.
Dilated cardiomyopathy 3B (CMD3B). Also called: CMD3B: DMD-Related Dilated Cardiomyopathy; CARDIOMYOPATHY, DILATED, X-LINKED; DMD-Associated Dilated Cardiomyopathy. Identifiers: Orphanet 154, MedGen C3668940, MONDO:0010542, OMIM 302045.

Allele frequency attached by ClinVar (database versions not stated): ExAC 0.00006; gnomAD 0.00006 and 0.00007; gnomAD exomes 0.00006 and 0.00009; TOPMed 0.00008.
gnomAD v4.1: 73 of 1,207,129 alleles (0.006%); highest among the groups gnomAD compares: African/African-American, 0.016%; no homozygotes.

Submissions (8):

Labcorp Genetics (formerly Invitae), Labcorp
Classification: Benign for Duchenne muscular dystrophy. Last evaluated: 2026-01-12. Review status: criteria provided, single submitter. Criteria: Invitae Variant Classification Sherloc (09022015). Collection method: clinical testing. Allele origin: germline.

Ambry Genetics
Classification: Likely benign for Cardiovascular phenotype. Last evaluated: 2022-10-04. Review status: criteria provided, single submitter. Criteria: Ambry Variant Classification Scheme 2023. Collection method: clinical testing. Allele origin: germline.

GeneDx
Classification: Likely benign. Last evaluated: 2020-03-27. Review status: criteria provided, single submitter. Criteria: GeneDx Variant Classification Process June 2021. Collection method: clinical testing. Allele origin: germline. Affected: yes.

Illumina Laboratory Services, Illumina
Classification: Uncertain significance for Dilated cardiomyopathy 3B. Last evaluated: 2017-04-27. Review status: criteria provided, single submitter. Criteria: ICSL Variant Classification Criteria 13 December 2019. Collection method: clinical testing. Allele origin: germline.

Eurofins Ntd Llc (ga)
Classification: Uncertain significance. Last evaluated: 2017-04-18. Review status: criteria provided, single submitter. Criteria: EGL Classification Definitions 2015. Collection method: clinical testing. Allele origin: germline. Observed: 1 variant allele, 1 hemizygote.

Stanford Center for Inherited Cardiovascular Disease, Stanford University
Classification: Uncertain significance. Last evaluated: 2016-11-02. Review status: criteria provided, single submitter. Criteria: ACMG Guidelines, 2015. Collection method: provider interpretation. Allele origin: germline.

PreventionGenetics, part of Exact Sciences
Classification: Likely benign for DMD-related condition. Last evaluated: 2023-06-14. Review status: no assertion criteria provided. Collection method: clinical testing. Allele origin: germline. Not counted in ClinVar's aggregate classification.
Comment: This variant is classified as likely benign based on ACMG/AMP sequence variant interpretation guidelines (Richards et al. 2015 PMID: 25741868, with internal and published modifications).

Natera, Inc.
Classification: Likely benign for Becker muscular dystrophy; Cardiomyopathy; Duchenne muscular dystrophy; Dystrophin deficiency. Last evaluated: 2018-05-10. Review status: no assertion criteria provided. Collection method: clinical testing. Allele origin: germline. Not counted in ClinVar's aggregate classification.

NM_004006.3(DMD):c.4721G>A (p.Arg1574His)

Gene: DMD (dystrophin; minus strand). Cytogenetic location: Xp21.1.
Variant type: single nucleotide variant.
Coding change: c.4721G>A on transcript NM_004006.3 (MANE Select); coding-DNA position 4721, G replaced by A.
Protein change: p.Arg1574His; replaces arginine 1574 with histidine.
Molecular consequence: missense variant.
Genome position (GRCh38, 1-based): chrX:32,380,634, C>T on the plus strand (G>A on the coding strand, the complement: DMD is on the minus strand). VCF-style: chrX-32380634-C-T. GRCh37 (hg19) VCF-style: chrX-32398751-C-T.
Other names: c.4697G>A, p.Arg1566His (NM_000109.4); c.4709G>A, p.Arg1570His (NM_004009.3); c.4352G>A, p.Arg1451His (NM_004010.3); c.698G>A, p.Arg233His (NM_004011.4); c.689G>A, p.Arg230His (NM_004012.4); short protein forms R1574H, R1570H, R1566H, R1451H, R233H, R230H.
Identifiers: ClinVar variation 409921 (VCV000409921.27), dbSNP rs755206033, ClinGen allele CA10378879.